The following is an entry in ClinVar:

ClinVar aggregate classification (germline): Uncertain significance. Review status: criteria provided, multiple submitters, no conflicts (2 of 4 stars). 2 submissions from 2 submitters: Uncertain significance (2). Last evaluated 2025-06-20.

Conditions:
Congenital disorder of glycosylation with defective fucosylation 2 (CDGF2). Identifiers: MedGen C5193028, MONDO:0020777, OMIM 618324.

Allele frequency attached by ClinVar (database versions not stated): gnomAD 0.00006; gnomAD exomes 0.00006; ExAC 0.00008; TOPMed 0.00009; 1000 Genomes Project 30x 0.00016; 1000 Genomes Project 0.00020.

Submissions (2):

Labcorp Genetics (formerly Invitae), Labcorp
Classification: Uncertain significance. Last evaluated: 2025-06-20. Review status: criteria provided, single submitter. Criteria: Invitae Variant Classification Sherloc (09022015). Collection method: clinical testing. Allele origin: germline.
Comment: This sequence change replaces lysine, which is basic and polar, with glutamic acid, which is acidic and polar, at codon 557 of the FUK protein (p.Lys557Glu). This variant is present in population databases (rs549295250, gnomAD 0.04%). This variant has not been reported in the literature in individuals affected with FUK-related conditions. ClinVar contains an entry for this variant (Variation ID: 2174337). An algorithm developed to predict the effect of missense changes on protein structure and function (PolyPhen-2) suggests that this variant is likely to be tolerated. In summary, the available evidence is currently insufficient to determine the role of this variant in disease. Therefore, it has been classified as a Variant of Uncertain Significance.

Department of Pathology and Laboratory Medicine, Sinai Health System
Classification: Uncertain significance for Congenital disorder of glycosylation with defective fucosylation 2. Last evaluated: 2020-04-29. Review status: criteria provided, single submitter. Criteria: ACMG Guidelines, 2015. Collection method: research. Allele origin: germline.

NM_145059.3(FCSK):c.1669A>G (p.Lys557Glu)

Gene: FCSK (fucose kinase; plus strand). Cytogenetic location: 16q22.1.
Variant type: single nucleotide variant.
Coding change: c.1669A>G on transcript NM_145059.3 (MANE Select); coding-DNA position 1669, A replaced by G.
Protein change: p.Lys557Glu; replaces lysine 557 with glutamic acid.
Molecular consequence: missense variant.
Genome position (GRCh38, 1-based): chr16:70,473,245, A>G. VCF-style: chr16-70473245-A-G. GRCh37 (hg19) VCF-style: chr16-70507148-A-G.
Other names: short protein forms K557E.
Identifiers: ClinVar variation 2174337 (VCV002174337.5), dbSNP rs549295250, ClinGen allele CA8143402.